The following is an entry in ClinVar:

NM_024422.6(DSC2):c.630+1G>A

Gene: DSC2 (desmocollin 2; minus strand). Cytogenetic location: 18q12.1.
Variant type: single nucleotide variant.
Coding change: c.630+1G>A on transcript NM_024422.6 (MANE Select); the canonical splice donor site of the intron after coding-DNA position 630, G replaced by A.
Molecular consequence: splice donor variant.
Genome position (GRCh38, 1-based): chr18:31,089,438, C>T on the plus strand (G>A on the coding strand, the complement: DSC2 is on the minus strand). VCF-style: chr18-31089438-C-T. GRCh37 (hg19) VCF-style: chr18-28669401-C-T.
Other names: c.630+1G>A (NM_004949.5); c.201+1G>A (NM_001406506.1, NM_001406507.1).
Identifiers: ClinVar variation 3893929 (VCV003893929.1).

ClinVar aggregate classification (germline): Uncertain significance (1 of 4 stars; one submission).

Conditions:
Cardiomyopathy (CMYO). Also called: Cardiomyopathies. Identifiers: Orphanet 167848, MedGen C0878544, MONDO:0004994, HP:0001638. Inheritance: Various modes of inheritance.

Submission:

Color Diagnostics, LLC DBA Color Health
Classification: Uncertain significance for Cardiomyopathy. Last evaluated: 2025-02-25. Review status: criteria provided, single submitter. Criteria: ACMG Guidelines, 2015. Collection method: clinical testing. Allele origin: germline.
Comment: This variant causes a G to A nucleotide substitution at the +1 position of intron 5 of the DSC2 gene. Splice site prediction tools predict that this variant may have a significant impact on RNA splicing. Although this prediction has not been confirmed in published RNA studies, this variant is expected to result in an absent or disrupted protein product. This variant has not been reported in individuals affected with DSC2-related disorders in the literature. This variant has not been identified in the general population by the Genome Aggregation Database (gnomAD). Although there is a suspicion for a pathogenic role, clinical relevance of loss-of-function DSC2 truncation and splice variants in autosomal dominant arrhythmogenic cardiomyopathy is not yet clearly established. The available evidence is insufficient to determine the role of this variant in disease conclusively. Therefore, this variant is classified as a Variant of Uncertain Significance.